The following is an entry in ClinVar:

NM_000287.4(PEX6):c.1958C>T (p.Ser653Leu)

Gene: PEX6 (peroxisomal biogenesis factor 6; minus strand). Cytogenetic location: 6p21.1.
Variant type: single nucleotide variant.
Coding change: c.1958C>T on transcript NM_000287.4 (MANE Select); coding-DNA position 1958, C replaced by T.
Protein change: p.Ser653Leu; replaces serine 653 with leucine.
Molecular consequence: missense variant. On other transcripts: non-coding transcript variant (1).
Genome position (GRCh38, 1-based): chr6:42,966,785, G>A on the plus strand (C>T on the coding strand, the complement: PEX6 is on the minus strand). VCF-style: chr6-42966785-G-A. GRCh37 (hg19) VCF-style: chr6-42934523-G-A.
Other names: c.1958C>T (NM_000287.3); c.1694C>T, p.Ser565Leu (NM_001316313.2); short protein forms S653L, S565L.
Identifiers: ClinVar variation 199006 (VCV000199006.12), dbSNP rs267608228, ClinGen allele CA247952.

ClinVar aggregate classification (germline): Uncertain significance. Review status: criteria provided, multiple submitters, no conflicts (2 of 4 stars). 5 submissions from 5 submitters: Uncertain significance (4). 1 of the submissions does not count toward it. Last evaluated 2024-01-22.

Conditions:
Peroxisome biogenesis disorder 4A (Zellweger) (PBD4A). Also called: Zellweger syndrome spectrum (PEX6-related). Identifiers: Orphanet 912, MedGen C3553936, MONDO:0013930, OMIM 614862. Disease mechanism: loss of function.
Peroxisome biogenesis disorder 4B (PBD4B). Also called: SPINOCEREBELLAR ATAXIA WITH BLINDNESS AND DEAFNESS 1. Identifiers: Orphanet 44, Orphanet 95433, MedGen C3553937, MONDO:0013931, OMIM 614863.
Heimler syndrome 2 (HMLR2). Also called: PEROXISOME BIOGENESIS DISORDER 4C. Identifiers: Orphanet 3220, MedGen C4225267, OMIM 616617, MONDO:0014709.
PEX6-related disorder. Also called: PEX6-related condition; PEX6-related disorders.
Inborn genetic diseases. Identifiers: MedGen C0950123, MeSH D030342.
Peroxisome biogenesis disorder. Identifiers: Orphanet 79189, MedGen C1832200, MONDO:0019234. Disease mechanism: loss of function.

Allele frequency attached by ClinVar (database versions not stated): gnomAD 0.00001; TOPMed 0.00003.
gnomAD v4.1: 20 of 1,613,710 alleles (0.0012%); highest among the groups gnomAD compares: Admixed American, 0.03%; no homozygotes.

Submissions (5):

Labcorp Genetics (formerly Invitae), Labcorp
Classification: Uncertain significance for Peroxisome biogenesis disorder. Last evaluated: 2024-01-22. Review status: criteria provided, single submitter. Criteria: Invitae Variant Classification Sherloc (09022015). Collection method: clinical testing. Allele origin: germline.
Comment: This sequence change replaces serine, which is neutral and polar, with leucine, which is neutral and non-polar, at codon 653 of the PEX6 protein (p.Ser653Leu). This variant is present in population databases (rs267608228, gnomAD 0.04%). This variant has not been reported in the literature in individuals affected with PEX6-related conditions. ClinVar contains an entry for this variant (Variation ID: 199006). Advanced modeling of protein sequence and biophysical properties (such as structural, functional, and spatial information, amino acid conservation, physicochemical variation, residue mobility, and thermodynamic stability) performed at Invitae indicates that this missense variant is not expected to disrupt PEX6 protein function with a negative predictive value of 95%. In summary, the available evidence is currently insufficient to determine the role of this variant in disease. Therefore, it has been classified as a Variant of Uncertain Significance.

Fulgent Genetics
Classification: Uncertain significance for Peroxisome biogenesis disorder 4A (Zellweger); Peroxisome biogenesis disorder 4B; Heimler syndrome 2. Last evaluated: 2021-09-03. Review status: criteria provided, single submitter. Criteria: ACMG Guidelines, 2015. Collection method: clinical testing. Allele origin: unknown.

Ambry Genetics
Classification: Uncertain significance for Inborn genetic diseases. Last evaluated: 2021-02-08. Review status: criteria provided, single submitter. Criteria: Ambry Variant Classification Scheme 2023. Collection method: clinical testing. Allele origin: germline.

Eurofins Ntd Llc (ga)
Classification: Uncertain significance. Last evaluated: 2015-05-22. Review status: criteria provided, single submitter. Criteria: EGL Classification Definitions 2015. Collection method: clinical testing. Allele origin: germline. Observed: 1 variant allele, 1 heterozygote.

PreventionGenetics, part of Exact Sciences
Classification: Uncertain significance for PEX6-related condition. Last evaluated: 2024-05-01. Review status: no assertion criteria provided. Collection method: clinical testing. Allele origin: germline. Not counted in ClinVar's aggregate classification.
Comment: The PEX6 c.1958C>T variant is predicted to result in the amino acid substitution p.Ser653Leu. To our knowledge, this variant has not been reported in the literature. This variant is reported in 0.037% of alleles in individuals of Latino descent in gnomAD. At this time, the clinical significance of this variant is uncertain due to the absence of conclusive functional and genetic evidence.